The following is an entry in ClinVar:

ClinVar aggregate classification (germline): Uncertain significance (1 of 4 stars; one submission).

gnomAD v4.1: 1 of 1,614,078 alleles (0.000062%); highest among the groups gnomAD compares: South Asian, 0.0011%; no homozygotes.

Submission:

Dasa
Classification: Uncertain significance. Last evaluated: 2025-08-25. Review status: criteria provided, single submitter. Criteria: DASA Assertion Criteria. Collection method: clinical testing. Allele origin: germline.
Comment: NM_001148.6(ANK2):c.8483A>G (p.Asp2828Gly) is a missense variant that results in the substitution of aspartic acid with glycine. This variant is rare in population databases. Computational prediction algorithms are consistent with a benign effect. The currently available literature and clinical evidence are not sufficient to establish a definitive association between this variant and the reported condition. Therefore, this variant is classified as a variant of uncertain significance.

NM_001148.6(ANK2):c.8483A>G (p.Asp2828Gly)

Gene: ANK2 (ankyrin 2; plus strand). Cytogenetic location: 4q26.
Variant type: single nucleotide variant.
Coding change: c.8483A>G on transcript NM_001148.6 (MANE Select); coding-DNA position 8483, A replaced by G.
Protein change: p.Asp2828Gly; replaces aspartic acid 2828 with glycine.
Molecular consequence: missense variant. On other transcripts: intron variant (68).
Genome position (GRCh38, 1-based): chr4:113,357,101, A>G. VCF-style: chr4-113357101-A-G. GRCh37 (hg19) VCF-style: chr4-114278257-A-G.
Other names: c.4412-3722A>G (NM_001386186.2, NM_001386148.2); c.4214-3722A>G (NM_001354269.3); c.4292-3722A>G (NM_001386187.2); c.4253-3722A>G (NM_001386147.1); c.4271-3722A>G (NM_001386160.1); c.4376-3722A>G (NM_001354254.2); c.4397-3722A>G (NM_001354239.2, NM_001354252.2); c.4298-3722A>G (NM_001354272.2); and 35 more; short protein forms D1628G, D2750G, D2828G, D2867G, D2875G.
Identifiers: ClinVar variation 5020877 (VCV005020877.1).